The following is an entry in ClinVar:

NM_001276277.3(PPIP5K2):c.1656A>G (p.Leu552=)

Gene: PPIP5K2 (diphosphoinositol pentakisphosphate kinase 2; plus strand). Cytogenetic location: 5q21.1.
Variant type: single nucleotide variant.
Coding change: c.1656A>G on transcript NM_001276277.3 (MANE Select); coding-DNA position 1656, A replaced by G.
Protein change: p.Leu552=; no amino-acid change (leucine 552 retained).
Molecular consequence: synonymous variant.
Genome position (GRCh38, 1-based): chr5:103,158,492, A>G. VCF-style: chr5-103158492-A-G. GRCh37 (hg19) VCF-style: chr5-102494196-A-G.
Other names: c.1656A>G, p.Leu552= (NM_001281471.3, NM_001345874.2, NM_001345875.2 and 4 more transcripts); c.1653A>G, p.Leu551= (NM_001345877.2, NM_001345878.2, NM_001345873.2).
Identifiers: ClinVar variation 2655627 (VCV002655627.24), dbSNP rs1554214468, ClinGen allele CA445965972.

ClinVar aggregate classification (germline): Likely benign (1 of 4 stars; one submission).

Allele frequency attached by ClinVar (database versions not stated): gnomAD exomes below 0.00001; gnomAD 0.00001; TOPMed 0.00001.
gnomAD v4.1: 6 of 1,612,736 alleles (0.00037%); highest among the groups gnomAD compares: Non-Finnish European, 0.00051%; no homozygotes.

Submission:

CeGaT Center for Human Genetics Tuebingen
Classification: Likely benign. Last evaluated: 2022-06-01. Review status: criteria provided, single submitter. Criteria: CeGaT Center For Human Genetics Tuebingen Variant Classification Criteria Version 2. Collection method: clinical testing. Allele origin: germline. Affected: yes. Observed: 1 variant allele.
Comment: PPIP5K2: BP4, BP7